The following is an entry in ClinVar:

ClinVar aggregate classification (germline): Uncertain significance. Review status: criteria provided, multiple submitters, no conflicts (2 of 4 stars). 2 submissions from 2 submitters: Uncertain significance (2). Last evaluated 2024-01-22.

Conditions:
Inborn genetic diseases. Identifiers: MedGen C0950123, MeSH D030342.
Galactosylceramide beta-galactosidase deficiency. Also called: Krabbe Disease; Leukodystrophy, Globoid Cell; GALACTOCEREBROSIDASE DEFICIENCY; GALC DEFICIENCY; GLOBOID CELL LEUKOENCEPHALOPATHY. Identifiers: Orphanet 487, MedGen C0023521, MONDO:0009499, OMIM 245200.

gnomAD v4.1: 1 of 1,612,546 alleles (0.000062%); no homozygotes.

Submissions (2):

Ambry Genetics
Classification: Uncertain significance for Inborn genetic diseases. Last evaluated: 2024-01-22. Review status: criteria provided, single submitter. Criteria: Ambry Variant Classification Scheme 2023. Collection method: clinical testing. Allele origin: germline.

Labcorp Genetics (formerly Invitae), Labcorp
Classification: Uncertain significance for Galactosylceramide beta-galactosidase deficiency. Last evaluated: 2021-11-13. Review status: criteria provided, single submitter. Criteria: Invitae Variant Classification Sherloc (09022015). Collection method: clinical testing. Allele origin: germline.
Comment: This sequence change replaces serine, which is neutral and polar, with isoleucine, which is neutral and non-polar, at codon 457 of the GALC protein (p.Ser457Ile). This variant is not present in population databases (gnomAD no frequency). This variant has not been reported in the literature in individuals affected with GALC-related conditions. Advanced modeling of protein sequence and biophysical properties (such as structural, functional, and spatial information, amino acid conservation, physicochemical variation, residue mobility, and thermodynamic stability) performed at Invitae indicates that this missense variant is not expected to disrupt GALC protein function. In summary, the available evidence is currently insufficient to determine the role of this variant in disease. Therefore, it has been classified as a Variant of Uncertain Significance.

NM_000153.4(GALC):c.1370G>T (p.Ser457Ile)

Gene: GALC (galactosylceramidase; minus strand). Cytogenetic location: 14q31.3.
Variant type: single nucleotide variant.
Coding change: c.1370G>T on transcript NM_000153.4 (MANE Select); coding-DNA position 1370, G replaced by T.
Protein change: p.Ser457Ile; replaces serine 457 with isoleucine.
Molecular consequence: missense variant.
Genome position (GRCh38, 1-based): chr14:87,947,847, C>A on the plus strand (G>T on the coding strand, the complement: GALC is on the minus strand). VCF-style: chr14-87947847-C-A. GRCh37 (hg19) VCF-style: chr14-88414191-C-A.
Other names: c.1301G>T, p.Ser434Ile (NM_001201401.2); c.1292G>T, p.Ser431Ile (NM_001201402.2); c.1370G>T (NM_000153.3); short protein forms S431I, S457I, S434I.
Identifiers: ClinVar variation 1435824 (VCV001435824.4), dbSNP rs1195834672, ClinGen allele CA390746615.